The following is an entry in ClinVar:

NM_006416.5(SLC35A1):c.960T>G (p.Thr320=)

Gene: SLC35A1 (solute carrier family 35 member A1; plus strand). Cytogenetic location: 6q15.
Variant type: single nucleotide variant.
Coding change: c.960T>G on transcript NM_006416.5 (MANE Select); coding-DNA position 960, T replaced by G.
Protein change: p.Thr320=; no amino-acid change (threonine 320 retained).
Molecular consequence: synonymous variant.
Genome position (GRCh38, 1-based): chr6:87,511,472, T>G. VCF-style: chr6-87511472-T-G. GRCh37 (hg19) VCF-style: chr6-88221190-T-G.
Other names: c.783T>G, p.Thr261= (NM_001168398.2).
Identifiers: ClinVar variation 388383 (VCV000388383.4), dbSNP rs775081181, ClinGen allele CA3916115.
Genomic context (GRCh38, chr6:87,511,472, plus strand): 5'-CCTGGGTACTCTTCTTGTATGTGTTTCCATATATCTCTATGGATTACCCAGACAAGACAC[T>G]ACATCCATCCAACAAGGAGAAACAGCTTCAAAGGAGAGAGTTATTGGTGTGTGATTTTAG-3'
Protein context (NP_006407.1, residues 310-330): IYLYGLPRQD[Thr320=]TSIQQGETAS

ClinVar aggregate classification (germline): Likely benign. Review status: criteria provided, multiple submitters, no conflicts (2 of 4 stars). 2 submissions from 2 submitters: Likely benign (2). Last evaluated 2023-12-22.

Conditions:
SLC35A1-congenital disorder of glycosylation. Also called: CONGENITAL DISORDER OF GLYCOSYLATION, TYPE IIf; CDG IIf; SLC35A1-CDG. Identifiers: Orphanet 238459, MedGen C1970344, MONDO:0011342, OMIM 603585.

Allele frequency attached by ClinVar (database versions not stated): ExAC 0.00001; gnomAD 0.00001; gnomAD exomes 0.00001 and 0.00002.
gnomAD v4.1: 37 of 1,613,726 alleles (0.0023%); highest among the groups gnomAD compares: Middle Eastern, 0.033%; no homozygotes.

Submissions (2):

Labcorp Genetics (formerly Invitae), Labcorp
Classification: Likely benign for SLC35A1-congenital disorder of glycosylation. Last evaluated: 2023-12-22. Review status: criteria provided, single submitter. Criteria: Invitae Variant Classification Sherloc (09022015). Collection method: clinical testing. Allele origin: germline.

GeneDx
Classification: Likely benign. Last evaluated: 2016-08-16. Review status: criteria provided, single submitter. Criteria: GeneDx Variant Classification (06012015). Collection method: clinical testing. Allele origin: germline. Affected: yes.
Comment: This variant is considered likely benign or benign based on one or more of the following criteria: it is a conservative change, it occurs at a poorly conserved position in the protein, it is predicted to be benign by multiple in silico algorithms, and/or has population frequency not consistent with disease.